The following is an entry in ClinVar:

NM_017617.5(NOTCH1):c.5922A>G (p.Gln1974=)

Gene: NOTCH1 (notch receptor 1; minus strand). Cytogenetic location: 9q34.3.
Variant type: single nucleotide variant.
Coding change: c.5922A>G on transcript NM_017617.5 (MANE Select); coding-DNA position 5922, A replaced by G.
Protein change: p.Gln1974=; no amino-acid change (glutamine 1974 retained).
Molecular consequence: synonymous variant.
Genome position (GRCh38, 1-based): chr9:136,500,564, T>C on the plus strand (A>G on the coding strand, the complement: NOTCH1 is on the minus strand). VCF-style: chr9-136500564-T-C. GRCh37 (hg19) VCF-style: chr9-139395016-T-C.
Other names: c.5922A>G, p.Gln1974= (LRG_1122t1).
Identifiers: ClinVar variation 518151 (VCV000518151.5), dbSNP rs770803201, ClinGen allele CA5340103.

ClinVar aggregate classification (germline): Benign/Likely benign. Review status: criteria provided, multiple submitters, no conflicts (2 of 4 stars). 2 submissions from 2 submitters: Benign (1); Likely benign (1). Last evaluated 2022-12-03.

Conditions:
Adams-Oliver syndrome 5 (AOS5). Identifiers: Orphanet 974, MedGen C4014970, MONDO:0014459, OMIM 616028.

Allele frequency attached by ClinVar (database versions not stated): gnomAD exomes below 0.00001 and 0.00001; ExAC 0.00001.
gnomAD v4.1: 3 of 1,611,218 alleles (0.00019%); highest among the groups gnomAD compares: Admixed American, 0.0033%; no homozygotes.

Submissions (2):

Labcorp Genetics (formerly Invitae), Labcorp
Classification: Benign for Adams-Oliver syndrome 5. Last evaluated: 2022-12-03. Review status: criteria provided, single submitter. Criteria: Invitae Variant Classification Sherloc (09022015). Collection method: clinical testing. Allele origin: germline.

GeneDx
Classification: Likely benign. Last evaluated: 2017-06-23. Review status: criteria provided, single submitter. Criteria: GeneDx Variant Classification (06012015). Collection method: clinical testing. Allele origin: germline. Affected: yes.
Comment: This variant is considered likely benign or benign based on one or more of the following criteria: it is a conservative change, it occurs at a poorly conserved position in the protein, it is predicted to be benign by multiple in silico algorithms, and/or has population frequency not consistent with disease.